The following is an entry in ClinVar:

ClinVar aggregate classification (germline): Uncertain significance (1 of 4 stars; one submission).

Conditions:
Congenital glucose-galactose malabsorption (GGM). Also called: MONOSACCHARIDE MALABSORPTION; DIARRHEA 16. Identifiers: Orphanet 35710, MedGen C0268186, MONDO:0011731, OMIM 606824.

Submission:

Labcorp Genetics (formerly Invitae), Labcorp
Classification: Uncertain significance for Congenital glucose-galactose malabsorption. Last evaluated: 2022-04-30. Review status: criteria provided, single submitter. Criteria: Invitae Variant Classification Sherloc (09022015). Collection method: clinical testing. Allele origin: germline.
Comment: This variant, c.1892_1897dup, results in the insertion of 2 amino acid(s) of the SLC5A1 protein (p.Lys631_Met632dup), but otherwise preserves the integrity of the reading frame. This variant is not present in population databases (gnomAD no frequency). This variant has not been reported in the literature in individuals affected with SLC5A1-related conditions. In summary, the available evidence is currently insufficient to determine the role of this variant in disease. Therefore, it has been classified as a Variant of Uncertain Significance.

NM_000343.4(SLC5A1):c.1886AGATGA[3] (p.Met632_Thr633insLysMet)

Gene: SLC5A1 (solute carrier family 5 member 1; plus strand). Cytogenetic location: 22q12.3.
Variant type: Microsatellite.
Coding change: c.1886AGATGA[3] on transcript NM_000343.4 (MANE Select); three copies in a row of the 6-base unit AGATGA starting at c.1886; the reference has two copies in a row; one copy, 6 bases duplicated.
Protein change: p.Met632_Thr633insLysMet.
Molecular consequence: inframe insertion.
Genome position (GRCh38, 1-based): chr22:32,110,110-32,110,115, AGATGA duplicated; duplicating any 6 consecutive bases within chr22:32,110,100-32,110,115 gives the same sequence; the position shown is the placement nearest the transcript's 3' end. VCF-style (leftmost placement, unchanged base first): chr22-32110099-C-CATGAAG. GRCh37 (hg19) VCF-style: chr22-32506086-C-CATGAAG.
Other names: c.1505AGATGA[3], p.Met505_Thr506insLysMet (NM_001256314.2).
Identifiers: ClinVar variation 2132368 (VCV002132368.4), dbSNP rs2517680913, ClinGen allele CA2580615300.
Genomic context (GRCh38, chr22:32,110,099, plus strand): 5'-CCTATTTTGTGGGCTAGAGCAGCACGGTGCACCCAAGATGACTGAGGAAGAGGAGAAAGC[C>CATGAAG]ATGAAGATGAAGATGACGGACACCTCTGAGAAGCCTTTGTGGAGGACAGTGTTGAACGTC-3'